The following is an entry in ClinVar:

ClinVar aggregate classification (germline): Likely benign. Review status: criteria provided, multiple submitters, no conflicts (2 of 4 stars). 2 submissions from 2 submitters: Likely benign (2). Last evaluated 2024-09-24.

Conditions:
Hypertrophic cardiomyopathy. Also called: HYPERTROPHIC MYOCARDIOPATHY. Identifiers: Orphanet 217569, MedGen C0007194, MeSH D002312, MONDO:0005045, HP:0001639.

Submissions (2):

Labcorp Genetics (formerly Invitae), Labcorp
Classification: Likely benign for Hypertrophic cardiomyopathy. Last evaluated: 2024-09-24. Review status: criteria provided, single submitter. Criteria: Invitae Variant Classification Sherloc (09022015). Collection method: clinical testing. Allele origin: germline.

CeGaT Center for Human Genetics Tuebingen
Classification: Likely benign. Last evaluated: 2022-08-01. Review status: criteria provided, single submitter. Criteria: CeGaT Center For Human Genetics Tuebingen Variant Classification Criteria Version 2. Collection method: clinical testing. Allele origin: germline. Affected: yes. Observed: 1 variant allele.
Comment: MYOM1: BP4, BP7

NM_003803.4(MYOM1):c.3636A>T (p.Val1212=)

Gene: MYOM1 (myomesin 1; minus strand). Cytogenetic location: 18p11.31.
Variant type: single nucleotide variant.
Coding change: c.3636A>T on transcript NM_003803.4 (MANE Select); coding-DNA position 3636, A replaced by T.
Protein change: p.Val1212=; no amino-acid change (valine 1212 retained).
Molecular consequence: synonymous variant.
Genome position (GRCh38, 1-based): chr18:3,100,366, T>A on the plus strand (A>T on the coding strand, the complement: MYOM1 is on the minus strand). VCF-style: chr18-3100366-T-A. GRCh37 (hg19) VCF-style: chr18-3100364-T-A.
Other names: c.3348A>T, p.Val1116= (NM_019856.2).
Identifiers: ClinVar variation 1092987 (VCV001092987.32), dbSNP rs760952047, ClinGen allele CA502679599.